The following is an entry in ClinVar:

ClinVar aggregate classification (germline): Likely benign. Review status: criteria provided, multiple submitters, no conflicts (2 of 4 stars). 2 submissions from 2 submitters: Likely benign (2). Last evaluated 2026-01-01.

Allele frequency attached by ClinVar (database versions not stated): gnomAD 0.00001; TOPMed 0.00002.
gnomAD v4.1: 20 of 1,471,894 alleles (0.0014%); highest among the groups gnomAD compares: Middle Eastern, 0.024%; no homozygotes.

Submissions (2):

CeGaT Center for Human Genetics Tuebingen
Classification: Likely benign. Last evaluated: 2026-01-01. Review status: criteria provided, single submitter. Criteria: CeGaT Center For Human Genetics Tuebingen Variant Classification Criteria Version 2. Collection method: clinical testing. Allele origin: germline. Affected: yes. Observed: 1 variant allele.
Comment: CDK13: BP4, BP7

Labcorp Genetics (formerly Invitae), Labcorp
Classification: Likely benign. Last evaluated: 2024-08-02. Review status: criteria provided, single submitter. Criteria: Invitae Variant Classification Sherloc (09022015). Collection method: clinical testing. Allele origin: germline.

NM_003718.5(CDK13):c.99C>T (p.Ser33=)

Gene: CDK13 (cyclin dependent kinase 13; plus strand). Cytogenetic location: 7p14.1.
Variant type: single nucleotide variant.
Coding change: c.99C>T on transcript NM_003718.5 (MANE Select); coding-DNA position 99, C replaced by T.
Protein change: p.Ser33=; no amino-acid change (serine 33 retained).
Molecular consequence: synonymous variant.
Genome position (GRCh38, 1-based): chr7:39,950,740, C>T. VCF-style: chr7-39950740-C-T. GRCh37 (hg19) VCF-style: chr7-39990339-C-T.
Other names: c.99C>T, p.Ser33= (NM_031267.4).
Identifiers: ClinVar variation 2901715 (VCV002901715.7), dbSNP rs1225471968, ClinGen allele CA454873190.
Genomic context (GRCh38, chr7:39,950,740, plus strand): 5'-GGGCCTGAGCTGGGCGGAGAAGAAGTTGGAGGAACGCCGCAAGCGGAGGCGATTCCTGTC[C>T]CCTCAGCAGCCGCCGCTGCTGTTGCCGCTCCTGCAGCCGCAGCTCCTGCAACCGCCGCCG-3'
Protein context (NP_003709.3, residues 23-43): EERRKRRRFL[Ser33=]PQQPPLLLPL